The following is an entry in ClinVar:

NM_002108.4(HAL):c.1578A>G (p.Ala526=)

Gene: HAL (histidine ammonia-lyase; minus strand). Cytogenetic location: 12q23.1.
Variant type: single nucleotide variant.
Coding change: c.1578A>G on transcript NM_002108.4 (MANE Select); coding-DNA position 1578, A replaced by G.
Protein change: p.Ala526=; no amino-acid change (alanine 526 retained).
Molecular consequence: synonymous variant.
Genome position (GRCh38, 1-based): chr12:95,978,020, T>C on the plus strand (A>G on the coding strand, the complement: HAL is on the minus strand). VCF-style: chr12-95978020-T-C. GRCh37 (hg19) VCF-style: chr12-96371798-T-C.
Other names: c.954A>G, p.Ala318= (NM_001258333.2); c.1578A>G, p.Ala526= (NM_001258334.2).
Identifiers: ClinVar variation 3035284 (VCV003035284.2), dbSNP rs201071054, ClinGen allele CA6727530.

ClinVar aggregate classification (germline): Likely benign (0 of 4 stars; one submission).

Conditions:
HAL-related disorder. Also called: HAL-related condition.

Allele frequency attached by ClinVar (database versions not stated): gnomAD 0.00001; TOPMed 0.00003; gnomAD exomes 0.00006; ExAC 0.00009.

Submission:

PreventionGenetics, part of Exact Sciences
Classification: Likely benign for HAL-related condition. Last evaluated: 2019-07-26. Review status: no assertion criteria provided. Collection method: clinical testing. Allele origin: germline.
Comment: This variant is classified as likely benign based on ACMG/AMP sequence variant interpretation guidelines (Richards et al. 2015 PMID: 25741868, with internal and published modifications).